The following is an entry in ClinVar:

ClinVar aggregate classification (germline): Likely pathogenic. Review status: criteria provided, multiple submitters, no conflicts (2 of 4 stars). 3 submissions from 3 submitters: Likely pathogenic (3). Last evaluated 2025-12-17.

Conditions:
Retinitis pigmentosa 26 (RP26). Identifiers: Orphanet 791, MedGen C1842127, MONDO:0012024, OMIM 608380.
CERKL-related disorders.

Allele frequency attached by ClinVar (database versions not stated): gnomAD exomes below 0.00001; TOPMed 0.00001.
gnomAD v4.1: 1 of 1,581,608 alleles (0.000063%); highest among the groups gnomAD compares: African/African-American, 0.0013%; no homozygotes.

Submissions (3):

Natera, Inc.
Classification: Likely pathogenic for Retinitis Pigmentosa 26. Last evaluated: 2025-12-17. Review status: criteria provided, single submitter. Criteria: Natera Variant Classification Schema (03/2026). Collection method: clinical testing. Allele origin: germline.
Comment: The c.677+1G>A variant in CERKL is a canonical splice donor site variant predicted to affect pre-mRNA splicing, which may result in an abnormal transcript and altered protein product. This variant is expected to result in nonsense mediated decay, truncation, or a dysfunctional protein product. This variant is rare in the general population with a frequency below the threshold expected for the associated phenotype(s). Given the available evidence, this variant is classified as Likely Pathogenic.

Labcorp Genetics (formerly Invitae), Labcorp
Classification: Likely pathogenic. Last evaluated: 2024-01-11. Review status: criteria provided, single submitter. Criteria: Invitae Variant Classification Sherloc (09022015). Collection method: clinical testing. Allele origin: germline.
Comment: This sequence change affects a donor splice site in intron 4 of the CERKL gene. It is expected to disrupt RNA splicing. Variants that disrupt the donor or acceptor splice site typically lead to a loss of protein function (PMID: 16199547), and loss-of-function variants in CERKL are known to be pathogenic (PMID: 14681825, 23591405, 24043777). This variant is not present in population databases (gnomAD no frequency). This variant has not been reported in the literature in individuals affected with CERKL-related conditions. ClinVar contains an entry for this variant (Variation ID: 866003). Algorithms developed to predict the effect of sequence changes on RNA splicing suggest that this variant may disrupt the consensus splice site. In summary, the currently available evidence indicates that the variant is pathogenic, but additional data are needed to prove that conclusively. Therefore, this variant has been classified as Likely Pathogenic.

Blueprint Genetics
Classification: Likely pathogenic for CERKL-related disorders. Last evaluated: 2018-06-06. Review status: criteria provided, single submitter. Criteria: ACMG Guidelines, 2015. Collection method: clinical testing. Allele origin: germline. Affected: yes. Observed: 2 variant alleles.

Literature cited by the submitters: PubMed 16199547 (cited by Labcorp Genetics (formerly Invitae), Labcorp); PubMed 14681825 (cited by Labcorp Genetics (formerly Invitae), Labcorp); PubMed 23591405 (cited by Labcorp Genetics (formerly Invitae), Labcorp); PubMed 24043777 (cited by Labcorp Genetics (formerly Invitae), Labcorp).

NM_201548.5(CERKL):c.677+1G>A

Gene: CERKL (CERK like autophagy regulator; minus strand). Cytogenetic location: 2q31.3.
Variant type: single nucleotide variant.
Coding change: c.677+1G>A on transcript NM_201548.5 (MANE Select); the canonical splice donor site of the intron after coding-DNA position 677, G replaced by A.
Molecular consequence: splice donor variant. On other transcripts: intron variant (2).
Genome position (GRCh38, 1-based): chr2:181,566,057, C>T on the plus strand (G>A on the coding strand, the complement: CERKL is on the minus strand). VCF-style: chr2-181566057-C-T. GRCh37 (hg19) VCF-style: chr2-182430784-C-T.
Other names: c.482-16349G>A (NM_001030312.3); c.545+1G>A (NM_001160277.2); c.613+7696G>A (NM_001030313.3); c.677+1G>A (NM_001030311.3).
Identifiers: ClinVar variation 866003 (VCV000866003.8), dbSNP rs1005130980, ClinGen allele CA61598830.